The following is an entry in ClinVar:

ClinVar aggregate classification (germline): Benign (1 of 4 stars; one submission).

Allele frequency attached by ClinVar (database versions not stated): 1000 Genomes Project 30x 0.53092; 1000 Genomes Project 0.53514; TOPMed 0.56863; gnomAD 0.57533 and 0.57618.
gnomAD v4.1: 87,460 of 151,870 alleles (58%); highest among the groups gnomAD compares: South Asian, 62%; 25,469 homozygotes.

Submission:

GeneDx
Classification: Benign. Last evaluated: 2018-06-19. Review status: criteria provided, single submitter. Criteria: GeneDx Variant Classification (06012015). Collection method: clinical testing. Allele origin: germline. Affected: yes.
Comment: This variant is considered likely benign or benign based on one or more of the following criteria: it is a conservative change, it occurs at a poorly conserved position in the protein, it is predicted to be benign by multiple in silico algorithms, and/or has population frequency not consistent with disease.

NM_012470.4(TNPO3):c.1011+295T>C

Gene: TNPO3 (transportin 3; minus strand). Cytogenetic location: 7q32.1.
Variant type: single nucleotide variant.
Coding change: c.1011+295T>C on transcript NM_012470.4 (MANE Select); 295 bases into the intron after coding-DNA position 1011, T replaced by C.
Molecular consequence: intron variant.
Genome position (GRCh38, 1-based): chr7:129,000,134, A>G on the plus strand (T>C on the coding strand, the complement: TNPO3 is on the minus strand). VCF-style: chr7-129000134-A-G. GRCh37 (hg19) VCF-style: chr7-128640188-A-G.
Other names: c.867+295T>C (NM_001382221.1); c.1011+295T>C (NM_001382222.1, NM_001382219.1, NM_001382223.1 and 4 more transcripts); c.1092+295T>C (NM_001382217.1).
Identifiers: ClinVar variation 668976 (VCV000668976.1), dbSNP rs7807018, ClinGen allele CA12482281.